The following is an entry in ClinVar:

ClinVar aggregate classification (germline): Pathogenic. Review status: criteria provided, multiple submitters, no conflicts (2 of 4 stars). 3 submissions from 3 submitters: Pathogenic (3). Last evaluated 2025-12-08.

Conditions:
Long QT syndrome (LQTS). Identifiers: MedGen C0023976, MeSH D008133, MONDO:0002442. Disease mechanism: loss of function. Inheritance: Various modes of inheritance.
Cardiovascular phenotype. Identifiers: MedGen CN230736.

Submissions (3):

Labcorp Genetics (formerly Invitae), Labcorp
Classification: Pathogenic for Long QT syndrome. Last evaluated: 2025-12-08. Review status: criteria provided, single submitter. Criteria: Invitae Variant Classification Sherloc (09022015). Collection method: clinical testing. Allele origin: germline.
Comment: This sequence change creates a premature translational stop signal (p.Lys121Phefs*113) in the KCNQ1 gene. It is expected to result in an absent or disrupted protein product. Loss-of-function variants in KCNQ1 are known to be pathogenic (PMID: 9323054, 19862833). This variant is not present in population databases (gnomAD no frequency). This variant has not been reported in the literature in individuals affected with KCNQ1-related conditions. ClinVar contains an entry for this variant (Variation ID: 1454382). For these reasons, this variant has been classified as Pathogenic.

Ambry Genetics
Classification: Pathogenic for Cardiovascular phenotype. Last evaluated: 2025-07-15. Review status: criteria provided, single submitter. Criteria: Ambry Variant Classification Scheme 2023. Collection method: clinical testing. Allele origin: germline.
Comment: The c.361_370del10 pathogenic mutation, located in coding exon 1 of the KCNQ1 gene, results from a deletion of 10 nucleotides at nucleotide positions 361 to 370, causing a translational frameshift with a predicted alternate stop codon (p.K121Ffs*113). This variant is considered to be rare based on population cohorts in the Genome Aggregation Database (gnomAD). This alteration is expected to result in loss of function by premature protein truncation or nonsense-mediated mRNA decay. As such, this alteration is interpreted as a disease-causing mutation.

CeGaT Center for Human Genetics Tuebingen
Classification: Pathogenic. Last evaluated: 2023-02-01. Review status: criteria provided, single submitter. Criteria: CeGaT Center For Human Genetics Tuebingen Variant Classification Criteria Version 2. Collection method: clinical testing. Allele origin: germline. Affected: yes. Observed: 1 variant allele.
Comment: KCNQ1: PVS1, PM2

Literature cited by the submitters: PubMed 9323054 (cited by Labcorp Genetics (formerly Invitae), Labcorp); PubMed 19862833 (cited by Labcorp Genetics (formerly Invitae), Labcorp).

NM_000218.3(KCNQ1):c.361_370del (p.Lys121fs)

Gene: KCNQ1 (potassium voltage-gated channel subfamily Q member 1; plus strand). Cytogenetic location: 11p15.5.
Variant type: Deletion.
Coding change: c.361_370del on transcript NM_000218.3 (MANE Select); coding-DNA positions 361 to 370, 10 bases deleted (AAATGCTTCG; older notation c.361_370delAAATGCTTCG).
Protein change: p.Lys121fs; shifts the reading frame from lysine 121.
Molecular consequence: frameshift variant.
Genome position (GRCh38, 1-based): chr11:2,445,459-2,445,468, AAATGCTTCG deleted; deleting any 10 consecutive bases within chr11:2,445,458-2,445,468 gives the same sequence; the c. name uses the placement nearest the transcript's 3' end. VCF-style (leftmost placement, unchanged base first): chr11-2445457-GGAAATGCTTC-G. GRCh37 (hg19) VCF-style: chr11-2466687-GGAAATGCTTC-G.
Other names: c.361_370del10 (NM_000218.2); short protein forms K121fs.
Identifiers: ClinVar variation 1454382 (VCV001454382.35), dbSNP rs2133560315, ClinGen allele CA2573146066.